The following is an entry in ClinVar:

NM_000179.3(MSH6):c.1949G>A (p.Gly650Asp)

Gene: MSH6 (mutS homolog 6; plus strand). Cytogenetic location: 2p16.3.
Variant type: single nucleotide variant.
Coding change: c.1949G>A on transcript NM_000179.3 (MANE Select); coding-DNA position 1949, G replaced by A.
Protein change: p.Gly650Asp; replaces glycine 650 with aspartic acid.
Molecular consequence: missense variant.
Genome position (GRCh38, 1-based): chr2:47,799,932, G>A. VCF-style: chr2-47799932-G-A. GRCh37 (hg19) VCF-style: chr2-48027071-G-A.
Other names: c.1559G>A, p.Gly520Asp (NM_001281492.2); c.1043G>A, p.Gly348Asp (NM_001281493.2, NM_001281494.2); short protein forms G348D, G520D, G650D.
Identifiers: ClinVar variation 1195062 (VCV001195062.7), dbSNP rs1669397095, ClinGen allele CA346750527.

ClinVar aggregate classification (germline): Conflicting classifications of pathogenicity. Review status: criteria provided, conflicting classifications (1 of 4 stars). 3 submissions from 3 submitters: Uncertain significance (2); Likely benign (1). Last evaluated 2023-10-08.

Conditions:
Hereditary nonpolyposis colorectal neoplasms. Identifiers: MedGen C0009405, MeSH D003123.
Hereditary cancer-predisposing syndrome. Also called: Neoplastic Syndromes, Hereditary; Hereditary neoplastic syndrome; Hereditary Cancer Syndrome; Tumor predisposition. Identifiers: Orphanet 140162, MedGen C0027672, MeSH D009386, MONDO:0015356.

Allele frequency attached by ClinVar (database versions not stated): gnomAD exomes below 0.00001.

Submissions (3):

Labcorp Genetics (formerly Invitae), Labcorp
Classification: Uncertain significance for Hereditary nonpolyposis colorectal neoplasms. Last evaluated: 2023-10-08. Review status: criteria provided, single submitter. Criteria: Invitae Variant Classification Sherloc (09022015). Collection method: clinical testing. Allele origin: germline.
Comment: This sequence change replaces glycine, which is neutral and non-polar, with aspartic acid, which is acidic and polar, at codon 650 of the MSH6 protein (p.Gly650Asp). This variant is not present in population databases (gnomAD no frequency). This variant has not been reported in the literature in individuals affected with MSH6-related conditions. ClinVar contains an entry for this variant (Variation ID: 1195062). Advanced modeling of protein sequence and biophysical properties (such as structural, functional, and spatial information, amino acid conservation, physicochemical variation, residue mobility, and thermodynamic stability) performed at Invitae indicates that this missense variant is not expected to disrupt MSH6 protein function. In summary, the available evidence is currently insufficient to determine the role of this variant in disease. Therefore, it has been classified as a Variant of Uncertain Significance.

GeneDx
Classification: Uncertain significance. Last evaluated: 2020-01-20. Review status: criteria provided, single submitter. Criteria: GeneDx Variant Classification Process June 2021. Collection method: clinical testing. Allele origin: germline. Affected: yes.
Comment: Not observed in large population cohorts (Lek 2016); In silico analysis, which includes protein predictors and evolutionary conservation, supports that this variant does not alter protein structure/function; Has not been previously published as a germline pathogenic or benign variant to our knowledge; This variant is associated with the following publications: (PMID: 31175329)

Ambry Genetics
Classification: Likely benign for Hereditary cancer-predisposing syndrome. Last evaluated: 2019-05-17. Review status: criteria provided, single submitter. Criteria: Ambry Variant Classification Scheme 2023. Collection method: clinical testing. Allele origin: germline.